The following is an entry in ClinVar:

ClinVar aggregate classification (germline): Uncertain significance (1 of 4 stars; one submission).

Conditions:
Atrial septal defect 5 (ASD5). Identifiers: Orphanet 1478, MedGen C2748552, MONDO:0013011, OMIM 612794.
Hypertrophic cardiomyopathy 11. Also called: ACTC1-Related Familial Hypertrophic Cardiomyopathy. Identifiers: MedGen C2677506, MONDO:0012799, OMIM 612098.
Dilated cardiomyopathy 1R (CMD1R). Identifiers: Orphanet 154, Orphanet 54260, MedGen C3150681, MONDO:0013261, OMIM 613424.

Submission:

Labcorp Genetics (formerly Invitae), Labcorp
Classification: Uncertain significance for Dilated cardiomyopathy 1R; Hypertrophic cardiomyopathy 11; Atrial septal defect 5. Last evaluated: 2024-02-17. Review status: criteria provided, single submitter. Criteria: Invitae Variant Classification Sherloc (09022015). Collection method: clinical testing. Allele origin: germline.
Comment: This sequence change replaces isoleucine, which is neutral and non-polar, with leucine, which is neutral and non-polar, at codon 36 of the ACTC1 protein (p.Ile36Leu). This variant is not present in population databases (gnomAD no frequency). This variant has not been reported in the literature in individuals affected with ACTC1-related conditions. Advanced modeling of protein sequence and biophysical properties (such as structural, functional, and spatial information, amino acid conservation, physicochemical variation, residue mobility, and thermodynamic stability) performed at Invitae indicates that this missense variant is not expected to disrupt ACTC1 protein function with a negative predictive value of 80%. In summary, the available evidence is currently insufficient to determine the role of this variant in disease. Therefore, it has been classified as a Variant of Uncertain Significance.

NM_005159.5(ACTC1):c.106A>C (p.Ile36Leu)

Genes: ACTC1 (actin alpha cardiac muscle 1; minus strand), GJD2-DT (GJD2 divergent transcript; plus strand). Cytogenetic location: 15q14.
Variant type: single nucleotide variant.
Coding change: c.106A>C on transcript NM_005159.5 (MANE Select); coding-DNA position 106, A replaced by C.
Protein change: p.Ile36Leu; replaces isoleucine 36 with leucine.
Molecular consequence: missense variant.
Genome position (GRCh38, 1-based): chr15:34,794,703, T>G on the plus strand (A>C on the coding strand, the complement: ACTC1 is on the minus strand). VCF-style: chr15-34794703-T-G. GRCh37 (hg19) VCF-style: chr15-35086904-T-G.
Other names: c.106A>C, p.Ile36Leu (NM_001406482.1, NM_001406483.1); short protein forms I36L.
Identifiers: ClinVar variation 3754757 (VCV003754757.2).